The following is an entry in ClinVar:

NM_000051.4(ATM):c.-30-19A>G

Gene: ATM (ATM serine/threonine kinase; plus strand). Cytogenetic location: 11q22.3.
Variant type: single nucleotide variant.
Coding change: c.-30-19A>G on transcript NM_000051.4 (MANE Select); 19 bases into the intron before 30 bases upstream of the start codon, A replaced by G.
Molecular consequence: intron variant.
Genome position (GRCh38, 1-based): chr11:108,227,576, A>G. VCF-style: chr11-108227576-A-G. GRCh37 (hg19) VCF-style: chr11-108098303-A-G.
Other names: c.-30-19A>G (NM_001351834.2, NM_001351835.2, NM_001351836.2).
Identifiers: ClinVar variation 380958 (VCV000380958.1), dbSNP rs763900742, ClinGen allele CA16606019.

ClinVar aggregate classification (germline): Likely benign (1 of 4 stars; one submission).

Allele frequency attached by ClinVar (database versions not stated): gnomAD 0.00001 and 0.00003; TOPMed 0.00001 and 0.00002.
gnomAD v4.1: 16 of 1,439,294 alleles (0.0011%); highest among the groups gnomAD compares: Non-Finnish European, 0.0015%; no homozygotes.

Submission:

GeneDx
Classification: Likely benign. Last evaluated: 2016-11-17. Review status: criteria provided, single submitter. Criteria: GeneDx Variant Classification (06012015). Collection method: clinical testing. Allele origin: germline. Affected: yes.
Comment: This variant is considered likely benign or benign based on one or more of the following criteria: it is a conservative change, it occurs at a poorly conserved position in the protein, it is predicted to be benign by multiple in silico algorithms, and/or has population frequency not consistent with disease.